The following is an entry in ClinVar:

NM_006231.4(POLE):c.4444+4T>A

Gene: POLE (DNA polymerase epsilon, catalytic subunit; minus strand). Cytogenetic location: 12q24.33.
Variant type: single nucleotide variant.
Coding change: c.4444+4T>A on transcript NM_006231.4 (MANE Select); 4 bases into the intron after coding-DNA position 4444, T replaced by A.
Molecular consequence: intron variant.
Genome position (GRCh38, 1-based): chr12:132,643,403, A>T on the plus strand (T>A on the coding strand, the complement: POLE is on the minus strand). VCF-style: chr12-132643403-A-T. GRCh37 (hg19) VCF-style: chr12-133219989-A-T.
Other names: p.?.
Identifiers: ClinVar variation 380213 (VCV000380213.37), dbSNP rs5744941, ClinGen allele CA6892856.

ClinVar aggregate classification (germline): Benign/Likely benign. Review status: criteria provided, multiple submitters, no conflicts (2 of 4 stars). 14 submissions from 14 submitters: Benign (10); Likely benign (1). 3 of the submissions do not count toward it. Last evaluated 2026-02-04.

Conditions:
POLE-related polyposis and colorectal cancer syndrome. Identifiers: MedGen CN324030, MONDO:0100287.
Hereditary cancer-predisposing syndrome. Also called: Tumor predisposition; Neoplastic Syndromes, Hereditary; Hereditary neoplastic syndrome; Hereditary Cancer Syndrome. Identifiers: Orphanet 140162, MedGen C0027672, MeSH D009386, MONDO:0015356.
Colorectal cancer, susceptibility to, 12 (CRCS12). Also called: COLORECTAL CANCER, SUSCEPTIBILITY TO, ON CHROMOSOME 12q24. Identifiers: Orphanet 220460, MedGen C3554460, MONDO:0014038, OMIM 615083.

Allele frequency attached by ClinVar (database versions not stated): 1000 Genomes Project 30x 0.03310; 1000 Genomes Project 0.03554; TOPMed 0.05418; gnomAD 0.05548 and 0.05640; ESP Exome Variant Server 0.05990; gnomAD exomes 0.06242; ExAC 0.06244.
gnomAD v4.1: 123,116 of 1,614,164 alleles (7.6%); highest among the groups gnomAD compares: Non-Finnish European, 8.6%; 5,271 homozygotes.

Submissions (14):

Labcorp Genetics (formerly Invitae), Labcorp
Classification: Benign. Last evaluated: 2026-02-04. Review status: criteria provided, single submitter. Criteria: Invitae Variant Classification Sherloc (09022015). Collection method: clinical testing. Allele origin: germline.

ARUP Laboratories, Molecular Genetics and Genomics, ARUP Laboratories
Classification: Benign. Last evaluated: 2025-06-02. Review status: criteria provided, single submitter. Criteria: ARUP Molecular Germline Variant Investigation Process 2024. Collection method: clinical testing. Allele origin: germline.

Blueprint Genetics
Classification: Likely benign. Last evaluated: 2024-11-27. Review status: criteria provided, single submitter. Criteria: ACMG Guidelines, 2015. Collection method: clinical testing. Allele origin: germline.

KCCC/NGS Laboratory, Kuwait Cancer Control Center
Classification: Benign for Colorectal cancer, susceptibility to, 12. Last evaluated: 2023-07-07. Review status: criteria provided, single submitter. Criteria: ACMG Guidelines, 2015. Collection method: clinical testing. Allele origin: germline. Affected: yes.

Mayo Clinic Laboratories, Mayo Clinic
Classification: Benign. Last evaluated: 2022-04-26. Review status: criteria provided, single submitter. Criteria: ACMG Guidelines, 2015. Collection method: clinical testing. Allele origin: germline. Observed: 104 variant alleles.

Department of Pathology and Laboratory Medicine, Sinai Health System
Classification: Benign for POLE-related polyposis and colorectal cancer syndrome. Last evaluated: 2020-07-16. Review status: criteria provided, single submitter. Criteria: ACMG Guidelines, 2015. Collection method: clinical testing. Allele origin: germline.

PreventionGenetics, part of Exact Sciences
Classification: Benign. Last evaluated: 2016-10-03. Review status: criteria provided, single submitter. Criteria: ACMG Guidelines, 2015. Collection method: clinical testing. Allele origin: germline.

Women's Health and Genetics/Laboratory Corporation of America, LabCorp
Classification: Benign. Last evaluated: 2016-05-19. Review status: criteria provided, single submitter. Criteria: LabCorp Variant Classification Summary - May 2015. Collection method: clinical testing. Allele origin: germline.
Comment: Variant summary: c.4444+4T>A in POLE gene is an intronic change that involves a non-conserved nucleotide. 5/5 programs in Alamut predict that this variant enhances the donor cite, however no functional studies supporting this notion were published at the time of evaluation. The variant is present in the control population dataset of ExAC at frequency of 0.0624 (7579/121388 chrs tested), predominantly in individuals of European descent (0.0819; 5568/66728 chrs tested) including numerous homozygous occurrences. The observed frequencies exceed the maximum expected allele frequency for a pathogenic variant of 0.0014%, suggesting that it is a benign polymorphism. The variant of interest has not, to our knowledge, been reported in affected individuals in published reports or cited by reputable databases/clinical laboratory. Taking together, based on the prevalence of this variant in general population the variant was classified as Benign.

GeneDx
Classification: Benign. Last evaluated: 2015-11-06. Review status: criteria provided, single submitter. Criteria: GeneDx Variant Classification (06012015). Collection method: clinical testing. Allele origin: germline. Affected: yes.
Comment: This variant is considered likely benign or benign based on one or more of the following criteria: it is a conservative change, it occurs at a poorly conserved position in the protein, it is predicted to be benign by multiple in silico algorithms, and/or has population frequency not consistent with disease.

Ambry Genetics
Classification: Benign for Hereditary cancer-predisposing syndrome. Last evaluated: 2015-05-19. Review status: criteria provided, single submitter. Criteria: Ambry Variant Classification Scheme 2023. Collection method: clinical testing. Allele origin: germline.

Breakthrough Genomics
Classification: Benign. Review status: criteria provided, single submitter. Criteria: ACMG Guidelines, 2015. Collection method: not provided. Allele origin: germline. Inheritance: Autosomal recessive inheritance. Affected: yes.

True Health Diagnostics
Classification: Benign for Hereditary cancer-predisposing syndrome. Last evaluated: 2018-03-02. Review status: no assertion criteria provided. Collection method: clinical testing. Allele origin: germline. Not counted in ClinVar's aggregate classification.

Clinical Genetics, Academic Medical Center
Classification: Benign. Review status: no assertion criteria provided. Collection method: clinical testing. Allele origin: germline. Affected: yes. Study: VKGL Data-share Consensus. Not counted in ClinVar's aggregate classification.

Joint Genome Diagnostic Labs from Nijmegen and Maastricht, Radboudumc and MUMC+
Classification: Benign. Review status: no assertion criteria provided. Collection method: clinical testing. Allele origin: germline. Affected: yes. Study: VKGL Data-share Consensus. Not counted in ClinVar's aggregate classification.